The following is an entry in ClinVar:

ClinVar aggregate classification (germline): Uncertain significance. Review status: criteria provided, multiple submitters, no conflicts (2 of 4 stars). 2 submissions from 2 submitters: Uncertain significance (2). Last evaluated 2024-07-19.

gnomAD v4.1: 103 of 1,612,412 alleles (0.0064%); highest among the groups gnomAD compares: Middle Eastern, 0.016%; no homozygotes.

Submissions (2):

Labcorp Genetics (formerly Invitae), Labcorp
Classification: Uncertain significance. Last evaluated: 2024-07-19. Review status: criteria provided, single submitter. Criteria: Invitae Variant Classification Sherloc (09022015). Collection method: clinical testing. Allele origin: germline.
Comment: This sequence change replaces aspartic acid, which is acidic and polar, with histidine, which is basic and polar, at codon 448 of the VPS13A protein (p.Asp448His). This variant is present in population databases (rs144858653, gnomAD 0.03%). This variant has not been reported in the literature in individuals affected with VPS13A-related conditions. Advanced modeling of protein sequence and biophysical properties (such as structural, functional, and spatial information, amino acid conservation, physicochemical variation, residue mobility, and thermodynamic stability) performed at Invitae indicates that this missense variant is not expected to disrupt VPS13A protein function with a negative predictive value of 80%. In summary, the available evidence is currently insufficient to determine the role of this variant in disease. Therefore, it has been classified as a Variant of Uncertain Significance.

Blueprint Genetics
Classification: Uncertain significance. Last evaluated: 2024-03-27. Review status: criteria provided, single submitter. Criteria: ACMG Guidelines, 2015. Collection method: clinical testing. Allele origin: germline.

NM_033305.3(VPS13A):c.1342G>C (p.Asp448His)

Gene: VPS13A (vacuolar protein sorting 13 homolog A; plus strand). Cytogenetic location: 9q21.2.
Variant type: single nucleotide variant.
Coding change: c.1342G>C on transcript NM_033305.3 (MANE Select); coding-DNA position 1342, G replaced by C.
Protein change: p.Asp448His; replaces aspartic acid 448 with histidine.
Molecular consequence: missense variant.
Genome position (GRCh38, 1-based): chr9:77,226,583, G>C. VCF-style: chr9-77226583-G-C. GRCh37 (hg19) VCF-style: chr9-79841499-G-C.
Other names: c.1342G>C, p.Asp448His (NM_001018037.2, NM_001018038.3, NM_015186.4); short protein forms D448H.
Identifiers: ClinVar variation 3690359 (VCV003690359.3).
Genomic context (GRCh38, chr9:77,226,583, plus strand): 5'-AAAGGGTGGTTTAGCTGGCTATGGTCTTGGTCAGAACAAAATACTAATGAACAGCAACCA[G>C]ATGTTCAACCTGAAAGTATGTCCATTTCATTTTACAGCATAGTTAATCACTGGGTGTCAA-3'
Protein context (NP_150648.2, residues 438-458): SEQNTNEQQP[Asp448His]VQPETLEEML